The following is an entry in ClinVar:

NM_000262.3(NAGA):c.892C>T (p.Gln298Ter)

Gene: NAGA (alpha-N-acetylgalactosaminidase; minus strand). Cytogenetic location: 22q13.2.
Variant type: single nucleotide variant.
Coding change: c.892C>T on transcript NM_000262.3 (MANE Select); coding-DNA position 892, C replaced by T.
Protein change: p.Gln298Ter; replaces glutamine 298 with a stop codon.
Molecular consequence: nonsense.
Genome position (GRCh38, 1-based): chr22:42,062,892, G>A on the plus strand (C>T on the coding strand, the complement: NAGA is on the minus strand). VCF-style: chr22-42062892-G-A. GRCh37 (hg19) VCF-style: chr22-42458896-G-A.
Other names: c.892C>T, p.Gln298Ter (NM_001362848.1, NM_001362850.1); short protein forms Q298*.
Identifiers: ClinVar variation 3719792 (VCV003719792.3).

ClinVar aggregate classification (germline): Conflicting classifications of pathogenicity. Review status: criteria provided, conflicting classifications (1 of 4 stars). 3 submissions from 3 submitters: Pathogenic (2); Uncertain significance (1). Last evaluated 2025-08-02.

Conditions:
Alpha-N-acetylgalactosaminidase deficiency type 1. Also called: SCHINDLER DISEASE, TYPE I; ALPHA-N-ACETYLGALACTOSAMINIDASE DEFICIENCY, TYPE I; NAGA DEFICIENCY, TYPE I; NEUROAXONAL DYSTROPHY, SCHINDLER TYPE. Identifiers: Orphanet 3137, Orphanet 79279, Orphanet 79281, MedGen C1836544, MONDO:0012221, OMIM 609241.
Alpha-N-acetylgalactosaminidase deficiency. Identifiers: Orphanet 3137, MedGen C5848084, MONDO:0017779.

gnomAD v4.1: 4 of 1,614,170 alleles (0.00025%); highest among the groups gnomAD compares: South Asian, 0.0022%; no homozygotes.

Submissions (3):

Myriad Genetics, Inc.
Classification: Pathogenic for Alpha-N-acetylgalactosaminidase deficiency. Last evaluated: 2025-08-02. Review status: criteria provided, single submitter. Criteria: Myriad Autosomal Dominant, Autosomal Recessive and X-Linked Classification Criteria (2023). Collection method: clinical testing. Allele origin: unknown.
Comment: NM_000262.2(NAGA):c.892C>T(Q298*) is expected to be pathogenic in the context of NAGA-related disorders. This variant is predicted to lead to an abnormal or absent protein product due to the creation of a premature termination codon in NAGA, a gene where loss-of-function variants are known to be pathogenic. Please note: this variant was assessed in the context of healthy population screening.

GeneDx
Classification: Uncertain significance. Last evaluated: 2024-08-15. Review status: criteria provided, single submitter. Criteria: GeneDx Variant Classification Process June 2021. Collection method: clinical testing. Allele origin: germline. Affected: yes.
Comment: Not observed at significant frequency in large population cohorts (gnomAD); Has not been previously published as pathogenic or benign to our knowledge; Nonsense variant predicted to result in protein truncation or nonsense mediated decay in a gene for which loss-of-function is not an established mechanism of disease

Labcorp Genetics (formerly Invitae), Labcorp
Classification: Pathogenic for Alpha-N-acetylgalactosaminidase deficiency type 1. Last evaluated: 2024-02-12. Review status: criteria provided, single submitter. Criteria: Invitae Variant Classification Sherloc (09022015). Collection method: clinical testing. Allele origin: germline.
Comment: This sequence change creates a premature translational stop signal (p.Gln298*) in the NAGA gene. It is expected to result in an absent or disrupted protein product. Loss-of-function variants in NAGA are known to be pathogenic (PMID: 8782044, 11251574). This variant is present in population databases (no rsID available, gnomAD 0.003%). This variant has not been reported in the literature in individuals affected with NAGA-related conditions. For these reasons, this variant has been classified as Pathogenic.

Literature cited by the submitters: PubMed 8782044 (cited by Labcorp Genetics (formerly Invitae), Labcorp); PubMed 11251574 (cited by Labcorp Genetics (formerly Invitae), Labcorp).